The following is an entry in ClinVar:

ClinVar aggregate classification (germline): Pathogenic/Likely pathogenic. Review status: criteria provided, multiple submitters, no conflicts (2 of 4 stars). 4 submissions from 4 submitters: Pathogenic (2); Likely pathogenic (1). 1 of the submissions does not count toward it. Last evaluated 2023-04-07.

Conditions:
Rare genetic deafness. Identifiers: Orphanet 96210, MedGen C5680250.
Pendred syndrome (PDS). Also called: Pendred's syndrome; DEAFNESS WITH GOITER; GOITER-DEAFNESS SYNDROME; HYPOTHYROIDISM, CONGENITAL, DUE TO DYSHORMONOGENESIS, 2B; Pendred Syndrome (PDS); THYROID DYSHORMONOGENESIS 2B. Identifiers: Orphanet 705, MedGen C0271829, MONDO:0010134, OMIM 274600.

Allele frequency attached by ClinVar (database versions not stated): TOPMed 0.00001.
gnomAD v4.1: 3 of 1,557,858 alleles (0.00019%); highest among the groups gnomAD compares: African/African-American, 0.0027%; no homozygotes.

Submissions (4):

Labcorp Genetics (formerly Invitae), Labcorp
Classification: Pathogenic. Last evaluated: 2023-04-07. Review status: criteria provided, single submitter. Criteria: Invitae Variant Classification Sherloc (09022015). Collection method: clinical testing. Allele origin: germline.
Comment: For these reasons, this variant has been classified as Pathogenic. ClinVar contains an entry for this variant (Variation ID: 43569). This variant has not been reported in the literature in individuals affected with SLC26A4-related conditions. The frequency data for this variant in the population databases is considered unreliable, as metrics indicate poor data quality at this position in the gnomAD database. This sequence change creates a premature translational stop signal (p.Glu29*) in the SLC26A4 gene. It is expected to result in an absent or disrupted protein product. Loss-of-function variants in SLC26A4 are known to be pathogenic (PMID: 16283880, 25394566, 26252218, 26445815).

Genome-Nilou Lab
Classification: Pathogenic for Pendred syndrome. Last evaluated: 2021-09-05. Review status: criteria provided, single submitter. Criteria: ACMG Guidelines, 2015. Collection method: clinical testing. Allele origin: germline. Affected: no.

Laboratory for Molecular Medicine, Mass General Brigham Personalized Medicine
Classification: Likely pathogenic for Rare genetic deafness. Last evaluated: 2008-03-01. Review status: criteria provided, single submitter. Criteria: LMM Criteria. Collection method: clinical testing. Allele origin: germline. Observed: 1 variant allele.

Counsyl
Classification: Likely pathogenic for Pendred syndrome. Last evaluated: 2017-01-10. Review status: no assertion criteria provided. Collection method: clinical testing. Allele origin: unknown. Not counted in ClinVar's aggregate classification.

Literature cited by the submitters: PubMed 16283880 (cited by Labcorp Genetics (formerly Invitae), Labcorp); PubMed 25394566 (cited by Labcorp Genetics (formerly Invitae), Labcorp); PubMed 26252218 (cited by Labcorp Genetics (formerly Invitae), Labcorp); PubMed 26445815 (cited by Labcorp Genetics (formerly Invitae), Labcorp).

NM_000441.2(SLC26A4):c.85G>T (p.Glu29Ter)

Genes: SLC26A4-AS1 (SLC26A4 antisense RNA 1; minus strand), SLC26A4 (solute carrier family 26 member 4; plus strand). Cytogenetic location: 7q22.3.
Variant type: single nucleotide variant.
Coding change: c.85G>T on transcript NM_000441.2 (MANE Select); coding-DNA position 85, G replaced by T.
Protein change: p.Glu29Ter; replaces glutamic acid 29 with a stop codon.
Molecular consequence: nonsense. On other transcripts: non-coding transcript variant (1).
Genome position (GRCh38, 1-based): chr7:107,661,726, G>T. VCF-style: chr7-107661726-G-T. GRCh37 (hg19) VCF-style: chr7-107302171-G-T.
Other names: short protein forms E29*.
Identifiers: ClinVar variation 43569 (VCV000043569.16), dbSNP rs111033205, ClinGen allele CA261442.